The following is an entry in ClinVar:

NM_005529.7(HSPG2):c.3545C>T (p.Thr1182Met)

Gene: HSPG2 (heparan sulfate proteoglycan 2; minus strand). Cytogenetic location: 1p36.12.
Variant type: single nucleotide variant.
Coding change: c.3545C>T on transcript NM_005529.7 (MANE Select); coding-DNA position 3545, C replaced by T.
Protein change: p.Thr1182Met; replaces threonine 1182 with methionine.
Molecular consequence: missense variant.
Genome position (GRCh38, 1-based): chr1:21,874,517, G>A on the plus strand (C>T on the coding strand, the complement: HSPG2 is on the minus strand). VCF-style: chr1-21874517-G-A. GRCh37 (hg19) VCF-style: chr1-22201010-G-A.
Other names: c.3545C>T (NM_005529.6); c.3548C>T, p.Thr1183Met (NM_001291860.2); short protein forms T1182M, T1183M.
Identifiers: ClinVar variation 875626 (VCV000875626.12), dbSNP rs748529459, ClinGen allele CA672607.

ClinVar aggregate classification (germline): Uncertain significance. Review status: criteria provided, multiple submitters, no conflicts (2 of 4 stars). 7 submissions from 6 submitters: Uncertain significance (7). Last evaluated 2025-09-12.

Conditions:
Schwartz-Jampel syndrome. Also called: Myotonic myopathy dwarfism chondrodystrophy and ocular and facial abnormalities. Identifiers: Orphanet 800, MedGen C0036391, MONDO:0009717.
Inborn genetic diseases. Identifiers: MedGen C0950123, MeSH D030342.
Lethal Kniest-like syndrome (DDSH). Also called: Dyssegmental Dysplasia. Identifiers: Orphanet 1865, MedGen C1857100, MONDO:0009140, OMIM 224410.

Allele frequency attached by ClinVar (database versions not stated): ExAC 0.00004; gnomAD 0.00004 and 0.00005; gnomAD exomes 0.00006; TOPMed 0.00006.
gnomAD v4.1: 79 of 1,613,462 alleles (0.0049%); highest among the groups gnomAD compares: Middle Eastern, 0.086%; no homozygotes.

Submissions (7):

Athena Diagnostics
Classification: Uncertain significance. Last evaluated: 2025-09-12. Review status: criteria provided, single submitter. Criteria: Athena Diagnostics Criteria. Collection method: clinical testing. Allele origin: unknown.
Comment: Available data are insufficient to determine the clinical significance of the variant at this time. The frequency of this variant in the general population is higher than would generally be expected for pathogenic variants in this gene. Polyphen and MutationTaster predict this amino acid change may be damaging to the protein.

Ambry Genetics
Classification: Uncertain significance for Inborn genetic diseases. Last evaluated: 2025-08-07. Review status: criteria provided, single submitter. Criteria: Ambry Variant Classification Scheme 2023. Collection method: clinical testing. Allele origin: germline.

Labcorp Genetics (formerly Invitae), Labcorp
Classification: Uncertain significance. Last evaluated: 2024-01-24. Review status: criteria provided, single submitter. Criteria: Invitae Variant Classification Sherloc (09022015). Collection method: clinical testing. Allele origin: germline.
Comment: This sequence change replaces threonine, which is neutral and polar, with methionine, which is neutral and non-polar, at codon 1182 of the HSPG2 protein (p.Thr1182Met). This variant is present in population databases (rs748529459, gnomAD 0.01%). This variant has not been reported in the literature in individuals affected with HSPG2-related conditions. ClinVar contains an entry for this variant (Variation ID: 875626). An algorithm developed to predict the effect of missense changes on protein structure and function (PolyPhen-2) suggests that this variant is likely to be disruptive. In summary, the available evidence is currently insufficient to determine the role of this variant in disease. Therefore, it has been classified as a Variant of Uncertain Significance.

Revvity Omics, Revvity
Classification: Uncertain significance. Last evaluated: 2019-09-18. Review status: criteria provided, single submitter. Criteria: ACMG Guidelines, 2015. Collection method: clinical testing. Allele origin: germline.

Illumina Laboratory Services, Illumina
Classification: Uncertain significance for Schwartz-Jampel syndrome type 1. Last evaluated: 2018-01-12. Review status: criteria provided, single submitter. Criteria: ICSL Variant Classification Criteria 13 December 2019. Collection method: clinical testing. Allele origin: germline.

Illumina Laboratory Services, Illumina
Classification: Uncertain significance for Lethal Kniest-like syndrome. Last evaluated: 2018-01-12. Review status: criteria provided, single submitter. Criteria: ICSL Variant Classification Criteria 13 December 2019. Collection method: clinical testing. Allele origin: germline.

Breakthrough Genomics
Classification: Uncertain significance. Review status: criteria provided, single submitter. Criteria: ACMG Guidelines, 2015. Collection method: not provided. Allele origin: germline. Inheritance: Autosomal recessive inheritance. Affected: yes.